The following is an entry in ClinVar:

ClinVar aggregate classification (germline): Uncertain significance (1 of 4 stars; one submission).

Conditions:
Multiple endocrine neoplasia, type 1 (MEN1). Also called: MEA I; MEN I; WERMER SYNDROME; Endocrine adenomatosis multiple; MEN 1. Identifiers: Orphanet 652, MedGen C0025267, MeSH D018761, MONDO:0007540, OMIM 131100.

gnomAD v4.1: 1 of 1,614,196 alleles (0.000062%); highest among the groups gnomAD compares: Admixed American, 0.0017%; no homozygotes.

Submission:

Labcorp Genetics (formerly Invitae), Labcorp
Classification: Uncertain significance for Multiple endocrine neoplasia, type 1. Last evaluated: 2025-08-10. Review status: criteria provided, single submitter. Criteria: Invitae Variant Classification Sherloc (09022015). Collection method: clinical testing. Allele origin: germline.
Comment: This sequence change replaces alanine, which is neutral and non-polar, with threonine, which is neutral and polar, at codon 182 of the MEN1 protein (p.Ala182Thr). This variant is present in population databases (no rsID available, gnomAD 0.003%). This variant has not been reported in the literature in individuals affected with MEN1-related conditions. Invitae Evidence Modeling of protein sequence and biophysical properties (such as structural, functional, and spatial information, amino acid conservation, physicochemical variation, residue mobility, and thermodynamic stability) has been performed for this missense variant. However, the output from this modeling did not meet the statistical confidence thresholds required to predict the impact of this variant on MEN1 protein function. In summary, the available evidence is currently insufficient to determine the role of this variant in disease. Therefore, it has been classified as a Variant of Uncertain Significance.

NM_001370259.2(MEN1):c.544G>A (p.Ala182Thr)

Gene: MEN1 (menin 1; minus strand). Cytogenetic location: 11q13.1.
Variant type: single nucleotide variant.
Coding change: c.544G>A on transcript NM_001370259.2 (MANE Select); coding-DNA position 544, G replaced by A.
Protein change: p.Ala182Thr; replaces alanine 182 with threonine.
Molecular consequence: missense variant. On other transcripts: non-coding transcript variant (4).
Genome position (GRCh38, 1-based): chr11:64,808,001, C>T on the plus strand (G>A on the coding strand, the complement: MEN1 is on the minus strand). VCF-style: chr11-64808001-C-T. GRCh37 (hg19) VCF-style: chr11-64575473-C-T.
Other names: c.559G>A, p.Ala187Thr (NM_000244.4, NM_001407145.1, NM_001407150.1 and 5 more transcripts); c.544G>A, p.Ala182Thr (NM_001370251.2, NM_001370260.2, NM_001370261.2 and 12 more transcripts); short protein forms A182T, A187T.
Identifiers: ClinVar variation 4800428 (VCV004800428.1).